The following is an entry in ClinVar:

ClinVar aggregate classification (germline): Uncertain significance (1 of 4 stars; one submission).

gnomAD v4.1: 12 of 1,604,092 alleles (0.00075%); highest among the groups gnomAD compares: Non-Finnish European, 0.001%; no homozygotes.

Submission:

Labcorp Genetics (formerly Invitae), Labcorp
Classification: Uncertain significance. Last evaluated: 2024-02-24. Review status: criteria provided, single submitter. Criteria: Invitae Variant Classification Sherloc (09022015). Collection method: clinical testing. Allele origin: germline.
Comment: This sequence change replaces alanine, which is neutral and non-polar, with serine, which is neutral and polar, at codon 18 of the WNT1 protein (p.Ala18Ser). The frequency data for this variant in the population databases is considered unreliable, as metrics indicate poor data quality at this position in the gnomAD database. This variant has not been reported in the literature in individuals affected with WNT1-related conditions. ClinVar contains an entry for this variant (Variation ID: 1444527). An algorithm developed to predict the effect of missense changes on protein structure and function (PolyPhen-2) suggests that this variant is likely to be tolerated. In summary, the available evidence is currently insufficient to determine the role of this variant in disease. Therefore, it has been classified as a Variant of Uncertain Significance.

NM_005430.4(WNT1):c.52G>T (p.Ala18Ser)

Gene: WNT1 (Wnt family member 1; plus strand). Cytogenetic location: 12q13.12.
Variant type: single nucleotide variant.
Coding change: c.52G>T on transcript NM_005430.4 (MANE Select); coding-DNA position 52, G replaced by T.
Protein change: p.Ala18Ser; replaces alanine 18 with serine.
Molecular consequence: missense variant.
Genome position (GRCh38, 1-based): chr12:48,978,702, G>T. VCF-style: chr12-48978702-G-T. GRCh37 (hg19) VCF-style: chr12-49372485-G-T.
Other names: short protein forms A18S.
Identifiers: ClinVar variation 1444527 (VCV001444527.8), dbSNP rs142730766, ClinGen allele CA384626316.